The following is an entry in ClinVar:

NM_001399.5(EDA):c.396+2T>G

Gene: EDA (ectodysplasin A; plus strand). Cytogenetic location: Xq13.1.
Variant type: single nucleotide variant.
Coding change: c.396+2T>G on transcript NM_001399.5 (MANE Select); the canonical splice donor site of the intron after coding-DNA position 396, T replaced by G.
Molecular consequence: splice donor variant.
Genome position (GRCh38, 1-based): chrX:69,616,706, T>G. VCF-style: chrX-69616706-T-G. GRCh37 (hg19) VCF-style: chrX-68836550-T-G.
Other names: c.396+2T>G (NM_001005609.2, NM_001005612.3, NM_001005613.4 and 1 more transcripts).
Identifiers: ClinVar variation 179360 (VCV000179360.4), dbSNP rs727504814, ClinGen allele CA273616.

ClinVar aggregate classification (germline): Pathogenic (1 of 4 stars; one submission).

Conditions:
Hypohidrotic X-linked ectodermal dysplasia (XHED). Also called: ECTODERMAL DYSPLASIA, HYPOHIDROTIC, 1; CST SYNDROME; ECTODERMAL DYSPLASIA 1; Ectodermal Dysplasia 1, Anhidrotic; Anhidrotic ectodermal dysplasia X-linked; Christ Siemens Touraine syndrome. Identifiers: Orphanet 181, Orphanet 238468, MedGen C0162359, MONDO:0010585, OMIM 305100.

Submission:

Laboratory for Molecular Medicine, Mass General Brigham Personalized Medicine
Classification: Pathogenic for Hypohidrotic X-linked ectodermal dysplasia. Last evaluated: 2013-11-04. Review status: criteria provided, single submitter. Criteria: LMM Criteria. Collection method: clinical testing. Allele origin: germline. Observed: 1 variant allele.
Comment: The 396+2T>G variant in EDA has been reported in one individual with X-linked hy pohidrotic ectodermal dysplasia (Bashyam 2012). This variant occurs in the inva riant region (+/- 1,2) of the splice consensus sequence and is predicted to caus e altered splicing leading to an abnormal or absent protein. In summary, this va riant meets our criteria to be classified as pathogenic (rg/LMM)

Literature cited by the submitters: PubMed 22032522.